The following is an entry in ClinVar:

NM_016013.4(NDUFAF1):c.631C>T (p.Arg211Cys)

Gene: NDUFAF1 (NADH:ubiquinone oxidoreductase complex assembly factor 1; minus strand). Cytogenetic location: 15q15.1.
Variant type: single nucleotide variant.
Coding change: c.631C>T on transcript NM_016013.4 (MANE Select); coding-DNA position 631, C replaced by T.
Protein change: p.Arg211Cys; replaces arginine 211 with cysteine.
Molecular consequence: missense variant. On other transcripts: non-coding transcript variant (1).
Genome position (GRCh38, 1-based): chr15:41,394,987, G>A on the plus strand (C>T on the coding strand, the complement: NDUFAF1 is on the minus strand). VCF-style: chr15-41394987-G-A. GRCh37 (hg19) VCF-style: chr15-41687185-G-A.
Other names: short protein forms R211C.
Identifiers: ClinVar variation 30624 (VCV000030624.6), dbSNP rs387906958, ClinGen allele CA129374.

ClinVar aggregate classification (germline): Conflicting classifications of pathogenicity. Review status: criteria provided, conflicting classifications (1 of 4 stars). 3 submissions from 3 submitters: Likely pathogenic (1); Uncertain significance (1). 1 of the submissions does not count toward it. Last evaluated 2025-09-16.

Conditions:
Mitochondrial complex I deficiency, nuclear type 11. Also called: Mitochondrial complex 1 deficiency, nuclear type 11. Identifiers: MedGen C4748769, MONDO:0032617, OMIM 618234.

Allele frequency attached by ClinVar (database versions not stated): ExAC 0.00002; TOPMed 0.00002; gnomAD exomes 0.00003; gnomAD 0.00004.

Submissions (3):

Labcorp Genetics (formerly Invitae), Labcorp
Classification: Uncertain significance. Last evaluated: 2025-09-16. Review status: criteria provided, single submitter. Criteria: Invitae Variant Classification Sherloc (09022015). Collection method: clinical testing. Allele origin: germline.
Comment: This sequence change replaces arginine, which is basic and polar, with cysteine, which is neutral and slightly polar, at codon 211 of the NDUFAF1 protein (p.Arg211Cys). This variant is present in population databases (rs387906958, gnomAD 0.006%). This missense change has been observed in individual(s) with clinical features of NDUFAF1-related conditions (PMID: 21931170). ClinVar contains an entry for this variant (Variation ID: 30624). Invitae Evidence Modeling of protein sequence and biophysical properties (such as structural, functional, and spatial information, amino acid conservation, physicochemical variation, residue mobility, and thermodynamic stability) indicates that this missense variant is not expected to disrupt NDUFAF1 protein function with a negative predictive value of 80%. Studies have shown that this missense change alters NDUFAF1 gene expression (PMID: 21931170). In summary, the available evidence is currently insufficient to determine the role of this variant in disease. Therefore, it has been classified as a Variant of Uncertain Significance.

Department of Pathology and Laboratory Medicine, Sinai Health System
Classification: Likely pathogenic for Mitochondrial complex I deficiency, nuclear type 11. Last evaluated: 2023-06-29. Review status: criteria provided, single submitter. Criteria: ACMG Guidelines, 2015. Collection method: research. Allele origin: germline.

OMIM
Classification: Pathogenic for MITOCHONDRIAL COMPLEX I DEFICIENCY, NUCLEAR TYPE 11. Last evaluated: 2011-10-01. Review status: no assertion criteria provided. Collection method: literature only. Allele origin: germline. Not counted in ClinVar's aggregate classification.

Literature cited by the submitters: PubMed 21931170 (cited by Labcorp Genetics (formerly Invitae), Labcorp and OMIM).